The following is an entry in ClinVar:

NM_006033.4(LIPG):c.679G>A (p.Gly227Ser)

Gene: LIPG (lipase G, endothelial type; plus strand). Cytogenetic location: 18q21.1.
Variant type: single nucleotide variant.
Coding change: c.679G>A on transcript NM_006033.4 (MANE Select); coding-DNA position 679, G replaced by A.
Protein change: p.Gly227Ser; replaces glycine 227 with serine.
Molecular consequence: missense variant. On other transcripts: intron variant (1).
Genome position (GRCh38, 1-based): chr18:49,575,476, G>A. VCF-style: chr18-49575476-G-A. GRCh37 (hg19) VCF-style: chr18-47101846-G-A.
Other names: c.571+5928G>A (NM_001308006.2); short protein forms G227S.
Identifiers: ClinVar variation 3119072 (VCV003119072.3), dbSNP rs199744392, ClinGen allele CA299934716.

ClinVar aggregate classification (germline): Uncertain significance. Review status: criteria provided, multiple submitters, no conflicts (2 of 4 stars). 2 submissions from 2 submitters: Uncertain significance (2). Last evaluated 2025-03-19.

Allele frequency attached by ClinVar (database versions not stated): gnomAD exomes 0.00001; gnomAD 0.00003; 1000 Genomes Project 0.00020; TOPMed 0.00003; 1000 Genomes Project 30x 0.00016.
gnomAD v4.1: 14 of 1,614,136 alleles (0.00087%); highest among the groups gnomAD compares: African/African-American, 0.0053%; no homozygotes.

Submissions (2):

Labcorp Genetics (formerly Invitae), Labcorp
Classification: Uncertain significance. Last evaluated: 2025-03-19. Review status: criteria provided, single submitter. Criteria: Invitae Variant Classification Sherloc (09022015). Collection method: clinical testing. Allele origin: germline.
Comment: This sequence change replaces glycine, which is neutral and non-polar, with serine, which is neutral and polar, at codon 227 of the LIPG protein (p.Gly227Ser). This variant is present in population databases (rs199744392, gnomAD 0.003%). This variant has not been reported in the literature in individuals affected with LIPG-related conditions. ClinVar contains an entry for this variant (Variation ID: 3119072). An algorithm developed to predict the effect of missense changes on protein structure and function (PolyPhen-2) suggests that this variant is likely to be disruptive. In summary, the available evidence is currently insufficient to determine the role of this variant in disease. Therefore, it has been classified as a Variant of Uncertain Significance.

Ambry Genetics
Classification: Uncertain significance. Last evaluated: 2023-09-20. Review status: criteria provided, single submitter. Criteria: Ambry Variant Classification Scheme 2023. Collection method: clinical testing. Allele origin: germline.